The following is an entry in ClinVar:

ClinVar aggregate classification (germline): Pathogenic (1 of 4 stars; one submission).

Conditions:
Hereditary cancer-predisposing syndrome. Also called: Neoplastic Syndromes, Hereditary; Tumor predisposition; Hereditary neoplastic syndrome; Hereditary Cancer Syndrome. Identifiers: Orphanet 140162, MedGen C0027672, MeSH D009386, MONDO:0015356.

Submission:

Ambry Genetics
Classification: Pathogenic for Hereditary cancer-predisposing syndrome. Last evaluated: 2024-01-23. Review status: criteria provided, single submitter. Criteria: Ambry Variant Classification Scheme 2023. Collection method: clinical testing. Allele origin: germline.
Comment: The c.1536dupG pathogenic mutation, located in coding exon 4 of the MSH6 gene, results from a duplication of G at nucleotide position 1536, causing a translational frameshift with a predicted alternate stop codon (p.I513Dfs*3). This variant is considered to be rare based on population cohorts in the Genome Aggregation Database (gnomAD). This alteration is expected to result in loss of function by premature protein truncation or nonsense-mediated mRNA decay. As such, this alteration is interpreted as a disease-causing mutation.

NM_000179.3(MSH6):c.1536dup (p.Ile513fs)

Gene: MSH6 (mutS homolog 6; plus strand). Cytogenetic location: 2p16.3.
Variant type: Duplication.
Coding change: c.1536dup on transcript NM_000179.3 (MANE Select); coding-DNA position 1536, one base duplicated (G; older notation c.1536dupG).
Protein change: p.Ile513fs; shifts the reading frame from isoleucine 513.
Molecular consequence: frameshift variant. On other transcripts: non-coding transcript variant (4), intron variant (1).
Genome position (GRCh38, 1-based): chr2:47,799,519, G duplicated. VCF-style (leftmost placement, unchanged base first): chr2-47799518-A-AG. GRCh37 (hg19) VCF-style: chr2-48026657-A-AG.
Other names: c.1146dup, p.Ile383fs (NM_001281492.2); c.630dup, p.Ile211fs (NM_001281493.2, NM_001281494.2, NM_001406811.1 and 6 more transcripts); c.1632dup, p.Ile545fs (NM_001406795.1, NM_001406802.1); c.1536dup, p.Ile513fs (NM_001406796.1, NM_001406798.1, NM_001406800.1 and 4 more transcripts); c.1239dup, p.Ile414fs (NM_001406797.1, NM_001406801.1, NM_001406805.1 and 10 more transcripts); c.1011dup, p.Ile338fs (NM_001406799.1, NM_001406806.1, NM_001406807.1); c.1458dup, p.Ile487fs (NM_001406804.1); c.1542dup, p.Ile515fs (NM_001406813.1); and 3 more; short protein forms I211fs, I338fs, I383fs, I414fs, I457fs, I487fs, I513fs, I515fs.
Identifiers: ClinVar variation 3230505 (VCV003230505.1), dbSNP rs2530614832, ClinGen allele CA2825001117.